The following is an entry in ClinVar:

NM_004046.6(ATP5F1A):c.503C>T (p.Thr168Met)

Gene: ATP5F1A (ATP synthase F1 subunit alpha; minus strand). Cytogenetic location: 18q21.1.
Variant type: single nucleotide variant.
Coding change: c.503C>T on transcript NM_004046.6 (MANE Select); coding-DNA position 503, C replaced by T.
Protein change: p.Thr168Met; replaces threonine 168 with methionine.
Molecular consequence: missense variant.
Genome position (GRCh38, 1-based): chr18:46,089,713, G>A on the plus strand (C>T on the coding strand, the complement: ATP5F1A is on the minus strand). VCF-style: chr18-46089713-G-A. GRCh37 (hg19) VCF-style: chr18-43669679-G-A.
Other names: c.353C>T, p.Thr118Met (NM_001001935.3, NM_001257335.2); c.503C>T, p.Thr168Met (NM_001001937.2); c.437C>T, p.Thr146Met (NM_001257334.2); short protein forms T118M, T146M, T168M.
Identifiers: ClinVar variation 2446551 (VCV002446551.6), dbSNP rs144159915, ClinGen allele CA8950786.
Genomic context (GRCh38, chr18:46,089,713, plus strand): 5'-GGTTCCCGCACTGAAATTCGAGGAATGATACCGGGGGCTTTCAGACCAACTCGCCTACGC[G>A]TCTTGGAACCAATTGGACCCTGTTAAAAAATAAAAAGAAAAACCCTAAGCATAATCAGTT-3'
Protein context (NP_004037.1, residues 158-178): IDGKGPIGSK[Thr168Met]RRRVGLKAPG

ClinVar aggregate classification (germline): Conflicting classifications of pathogenicity. Review status: criteria provided, conflicting classifications (1 of 4 stars). 3 submissions from 3 submitters: Uncertain significance (2); Likely benign (1). Last evaluated 2025-08-30.

Conditions:
Inborn genetic diseases. Identifiers: MedGen C0950123, MeSH D030342.

Allele frequency attached by ClinVar (database versions not stated): ExAC 0.00013; ESP Exome Variant Server 0.00046; gnomAD exomes 0.00009; gnomAD 0.00011.

Submissions (3):

Labcorp Genetics (formerly Invitae), Labcorp
Classification: Uncertain significance. Last evaluated: 2025-08-30. Review status: criteria provided, single submitter. Criteria: Invitae Variant Classification Sherloc (09022015). Collection method: clinical testing. Allele origin: germline.
Comment: This sequence change replaces threonine, which is neutral and polar, with methionine, which is neutral and non-polar, at codon 168 of the ATP5A1 protein (p.Thr168Met). This variant is present in population databases (rs144159915, gnomAD 0.03%). This variant has not been reported in the literature in individuals affected with ATP5A1-related conditions. ClinVar contains an entry for this variant (Variation ID: 2446551). Invitae Evidence Modeling of protein sequence and biophysical properties (such as structural, functional, and spatial information, amino acid conservation, physicochemical variation, residue mobility, and thermodynamic stability) indicates that this missense variant is not expected to disrupt ATP5A1 protein function with a negative predictive value of 80%. In summary, the available evidence is currently insufficient to determine the role of this variant in disease. Therefore, it has been classified as a Variant of Uncertain Significance.

Ambry Genetics
Classification: Likely benign for Inborn genetic diseases. Last evaluated: 2025-08-29. Review status: criteria provided, single submitter. Criteria: Ambry Variant Classification Scheme 2023. Collection method: clinical testing. Allele origin: germline.

GeneDx
Classification: Uncertain significance. Last evaluated: 2025-02-24. Review status: criteria provided, single submitter. Criteria: GeneDx Variant Classification Process June 2021. Collection method: clinical testing. Allele origin: germline. Affected: yes.
Comment: In silico analysis indicates that this missense variant does not alter protein structure/function; Has not been previously published as pathogenic or benign to our knowledge